The following is an entry in ClinVar:

ClinVar aggregate classification (germline): Uncertain significance. Review status: criteria provided, multiple submitters, no conflicts (2 of 4 stars). 2 submissions from 2 submitters: Uncertain significance (2). Last evaluated 2025-02-21.

Allele frequency attached by ClinVar (database versions not stated): TOPMed below 0.00001; gnomAD 0.00001; gnomAD exomes 0.00002.
gnomAD v4.1: 26 of 1,536,880 alleles (0.0017%); highest among the groups gnomAD compares: Non-Finnish European, 0.0023%; no homozygotes.

Submissions (2):

Women's Health and Genetics/Laboratory Corporation of America, LabCorp
Classification: Uncertain significance. Last evaluated: 2025-02-21. Review status: criteria provided, single submitter. Criteria: LabCorp Variant Classification Summary - May 2015. Collection method: clinical testing. Allele origin: germline.
Comment: Variant summary: ZNF469 c.173T>C (p.Met58Thr) results in a non-conservative amino acid change in the encoded protein sequence. Three of four in-silico tools predict a benign effect of the variant on protein function. The variant allele was found at a frequency of 1.5e-05 in 133748 control chromosomes. The available data on variant occurrences in the general population are insufficient to allow any conclusion about variant significance. To our knowledge, no occurrence of c.173T>C in individuals affected with Brittle cornea syndrome 1 and no experimental evidence demonstrating its impact on protein function have been reported. ClinVar contains an entry for this variant (Variation ID: 2079834). Based on the evidence outlined above, the variant was classified as uncertain significance.

Labcorp Genetics (formerly Invitae), Labcorp
Classification: Uncertain significance. Last evaluated: 2023-10-17. Review status: criteria provided, single submitter. Criteria: Invitae Variant Classification Sherloc (09022015). Collection method: clinical testing. Allele origin: germline.
Comment: This sequence change replaces methionine, which is neutral and non-polar, with threonine, which is neutral and polar, at codon 58 of the ZNF469 protein (p.Met58Thr). This variant is present in population databases (no rsID available, gnomAD 0.004%). This variant has not been reported in the literature in individuals affected with ZNF469-related conditions. ClinVar contains an entry for this variant (Variation ID: 2079834). Algorithms developed to predict the effect of missense changes on protein structure and function output the following: SIFT: "Not Available"; PolyPhen-2: "Benign"; Align-GVGD: "Not Available". The threonine amino acid residue is found in multiple mammalian species, which suggests that this missense change does not adversely affect protein function. In summary, the available evidence is currently insufficient to determine the role of this variant in disease. Therefore, it has been classified as a Variant of Uncertain Significance.

NM_001367624.2(ZNF469):c.173T>C (p.Met58Thr)

Gene: ZNF469 (zinc finger protein 469; plus strand). Cytogenetic location: 16q24.2.
Variant type: single nucleotide variant.
Coding change: c.173T>C on transcript NM_001367624.2 (MANE Select); coding-DNA position 173, T replaced by C.
Protein change: p.Met58Thr; replaces methionine 58 with threonine.
Molecular consequence: missense variant.
Genome position (GRCh38, 1-based): chr16:88,427,643, T>C. VCF-style: chr16-88427643-T-C. GRCh37 (hg19) VCF-style: chr16-88494051-T-C.
Other names: short protein forms M58T.
Identifiers: ClinVar variation 2079834 (VCV002079834.5), dbSNP rs1343023453, ClinGen allele CA397058488.